The following is an entry in ClinVar:

ClinVar aggregate classification (germline): Uncertain significance. Review status: criteria provided, multiple submitters, no conflicts (2 of 4 stars). 2 submissions from 2 submitters: Uncertain significance (2). Last evaluated 2025-05-25.

Conditions:
Tay-Sachs disease (TSD). Also called: HEXA DEFICIENCY; GM2 gangliosidosis, type 1; HEXA Disorders; Hexosaminidase alpha-subunit deficiency (variant B); Sphingolipidosis, Tay-Sachs; Hexosaminidase A Deficiency. Identifiers: Orphanet 845, MedGen C0039373, MONDO:0010100, OMIM 272800.
Inborn genetic diseases. Identifiers: MedGen C0950123, MeSH D030342.

Allele frequency attached by ClinVar (database versions not stated): TOPMed 0.00001.
gnomAD v4.1: 3 of 1,614,214 alleles (0.00019%); highest among the groups gnomAD compares: Admixed American, 0.0017%; no homozygotes.

Submissions (2):

Ambry Genetics
Classification: Uncertain significance for Inborn genetic diseases. Last evaluated: 2025-05-25. Review status: criteria provided, single submitter. Criteria: Ambry Variant Classification Scheme 2023. Collection method: clinical testing. Allele origin: germline.

Labcorp Genetics (formerly Invitae), Labcorp
Classification: Uncertain significance for Tay-Sachs disease. Last evaluated: 2022-02-14. Review status: criteria provided, single submitter. Criteria: Invitae Variant Classification Sherloc (09022015). Collection method: clinical testing. Allele origin: germline.
Comment: This sequence change replaces phenylalanine, which is neutral and non-polar, with leucine, which is neutral and non-polar, at codon 503 of the HEXA protein (p.Phe503Leu). This variant is present in population databases (no rsID available, gnomAD 0.003%). This variant has not been reported in the literature in individuals affected with HEXA-related conditions. Algorithms developed to predict the effect of missense changes on protein structure and function are either unavailable or do not agree on the potential impact of this missense change (SIFT: "Tolerated"; PolyPhen-2: "Possibly Damaging"; Align-GVGD: "Class C0"). In summary, the available evidence is currently insufficient to determine the role of this variant in disease. Therefore, it has been classified as a Variant of Uncertain Significance.

NM_000520.6(HEXA):c.1509C>G (p.Phe503Leu)

Gene: HEXA (hexosaminidase subunit alpha; minus strand). Cytogenetic location: 15q23.
Variant type: single nucleotide variant.
Coding change: c.1509C>G on transcript NM_000520.6 (MANE Select); coding-DNA position 1509, C replaced by G.
Protein change: p.Phe503Leu; replaces phenylalanine 503 with leucine.
Molecular consequence: missense variant. On other transcripts: non-coding transcript variant (1).
Genome position (GRCh38, 1-based): chr15:72,345,463, G>C on the plus strand (C>G on the coding strand, the complement: HEXA is on the minus strand). VCF-style: chr15-72345463-G-C. GRCh37 (hg19) VCF-style: chr15-72637804-G-C.
Other names: c.1542C>G, p.Phe514Leu (NM_001318825.2); c.1509C>G (NM_000520.4); short protein forms F514L, F503L.
Identifiers: ClinVar variation 2097536 (VCV002097536.2), dbSNP rs1248458266, ClinGen allele CA393058518.